The following is an entry in ClinVar:

ClinVar aggregate classification (germline): Uncertain significance. Review status: criteria provided, multiple submitters, no conflicts (2 of 4 stars). 2 submissions from 2 submitters: Uncertain significance (2). Last evaluated 2024-05-24.

Conditions:
Inborn genetic diseases. Identifiers: MedGen C0950123, MeSH D030342.

gnomAD v4.1: 5 of 1,531,634 alleles (0.00033%); highest among the groups gnomAD compares: Admixed American, 0.0039%; no homozygotes.

Submissions (2):

Ambry Genetics
Classification: Uncertain significance for Inborn genetic diseases. Last evaluated: 2024-05-24. Review status: criteria provided, single submitter. Criteria: Ambry Variant Classification Scheme 2023. Collection method: clinical testing. Allele origin: germline.

Labcorp Genetics (formerly Invitae), Labcorp
Classification: Uncertain significance. Last evaluated: 2024-05-06. Review status: criteria provided, single submitter. Criteria: Invitae Variant Classification Sherloc (09022015). Collection method: clinical testing. Allele origin: germline.
Comment: This sequence change replaces valine, which is neutral and non-polar, with leucine, which is neutral and non-polar, at codon 25 of the DPYS protein (p.Val25Leu). This variant is present in population databases (rs757727593, gnomAD 0.009%). This variant has not been reported in the literature in individuals affected with DPYS-related conditions. ClinVar contains an entry for this variant (Variation ID: 1924903). Advanced modeling of protein sequence and biophysical properties (such as structural, functional, and spatial information, amino acid conservation, physicochemical variation, residue mobility, and thermodynamic stability) performed at Invitae indicates that this missense variant is not expected to disrupt DPYS protein function with a negative predictive value of 80%. In summary, the available evidence is currently insufficient to determine the role of this variant in disease. Therefore, it has been classified as a Variant of Uncertain Significance.

NM_001385.3(DPYS):c.73G>C (p.Val25Leu)

Gene: DPYS (dihydropyrimidinase; minus strand). Cytogenetic location: 8q22.3.
Variant type: single nucleotide variant.
Coding change: c.73G>C on transcript NM_001385.3 (MANE Select); coding-DNA position 73, G replaced by C.
Protein change: p.Val25Leu; replaces valine 25 with leucine.
Molecular consequence: missense variant.
Genome position (GRCh38, 1-based): chr8:104,466,848, C>G on the plus strand (G>C on the coding strand, the complement: DPYS is on the minus strand). VCF-style: chr8-104466848-C-G. GRCh37 (hg19) VCF-style: chr8-105479076-C-G.
Other names: c.73G>C (NM_001385.2); short protein forms V25L.
Identifiers: ClinVar variation 1924903 (VCV001924903.6), dbSNP rs757727593, ClinGen allele CA4838636.